The following is an entry in ClinVar:

ClinVar aggregate classification (germline): Uncertain significance. Review status: criteria provided, multiple submitters, no conflicts (2 of 4 stars). 3 submissions from 3 submitters: Uncertain significance (3). Last evaluated 2025-06-07.

Conditions:
Inborn genetic diseases. Identifiers: MedGen C0950123, MeSH D030342.

gnomAD v4.1: 4 of 1,614,162 alleles (0.00025%); highest among the groups gnomAD compares: Non-Finnish European, 0.00034%; no homozygotes.

Submissions (3):

Ambry Genetics
Classification: Uncertain significance for Inborn genetic diseases. Last evaluated: 2025-06-07. Review status: criteria provided, single submitter. Criteria: Ambry Variant Classification Scheme 2023. Collection method: clinical testing. Allele origin: germline.

Labcorp Genetics (formerly Invitae), Labcorp
Classification: Uncertain significance. Last evaluated: 2024-01-10. Review status: criteria provided, single submitter. Criteria: Invitae Variant Classification Sherloc (09022015). Collection method: clinical testing. Allele origin: germline.
Comment: This sequence change replaces tryptophan, which is neutral and slightly polar, with leucine, which is neutral and non-polar, at codon 222 of the SETBP1 protein (p.Trp222Leu). This variant is not present in population databases (gnomAD no frequency). This variant has not been reported in the literature in individuals affected with SETBP1-related conditions. Advanced modeling of protein sequence and biophysical properties (such as structural, functional, and spatial information, amino acid conservation, physicochemical variation, residue mobility, and thermodynamic stability) has been performed at Invitae for this missense variant, however the output from this modeling did not meet the statistical confidence thresholds required to predict the impact of this variant on SETBP1 protein function. In summary, the available evidence is currently insufficient to determine the role of this variant in disease. Therefore, it has been classified as a Variant of Uncertain Significance.

Blueprint Genetics
Classification: Uncertain significance. Last evaluated: 2023-10-12. Review status: criteria provided, single submitter. Criteria: ACMG Guidelines, 2015. Collection method: clinical testing. Allele origin: germline.

NM_015559.3(SETBP1):c.665G>T (p.Trp222Leu)

Gene: SETBP1 (SET binding protein 1; plus strand). Cytogenetic location: 18q12.3.
Variant type: single nucleotide variant.
Coding change: c.665G>T on transcript NM_015559.3 (MANE Select); coding-DNA position 665, G replaced by T.
Protein change: p.Trp222Leu; replaces tryptophan 222 with leucine.
Molecular consequence: missense variant.
Genome position (GRCh38, 1-based): chr18:44,950,005, G>T. VCF-style: chr18-44950005-G-T. GRCh37 (hg19) VCF-style: chr18-42529970-G-T.
Other names: c.665G>T (NM_015559.2); c.665G>T, p.Trp222Leu (NM_001379141.1, NM_001379142.1, NM_001410862.1); short protein forms W222L.
Identifiers: ClinVar variation 2791304 (VCV002791304.5), dbSNP rs761385178, ClinGen allele CA402316575.